The following is an entry in ClinVar:

ClinVar aggregate classification (germline): Uncertain significance (1 of 4 stars; one submission).

gnomAD v4.1: 5 of 1,607,610 alleles (0.00031%); highest among the groups gnomAD compares: South Asian, 0.0011%; no homozygotes.

Submission:

Dasa
Classification: Uncertain significance. Last evaluated: 2025-08-21. Review status: criteria provided, single submitter. Criteria: DASA Assertion Criteria. Collection method: clinical testing. Allele origin: germline.
Comment: NM_006841.6(SLC38A3):c.1171G>A (p.Ala391Thr) is a missense variant that results in the substitution of alanine with threonine. This variant has been observed in affected individuals with SLC38A3-related disorders. Also, this variant is rare in population databases. The currently available literature and clinical evidence are not sufficient to establish a definitive association between this variant and the reported condition. Therefore, this variant is classified as a variant of uncertain significance.

NM_006841.6(SLC38A3):c.1171G>A (p.Ala391Thr)

Gene: SLC38A3 (solute carrier family 38 member 3; plus strand). Cytogenetic location: 3p21.31.
Variant type: single nucleotide variant.
Coding change: c.1171G>A on transcript NM_006841.6 (MANE Select); coding-DNA position 1171, G replaced by A.
Protein change: p.Ala391Thr; replaces alanine 391 with threonine.
Molecular consequence: missense variant.
Genome position (GRCh38, 1-based): chr3:50,218,813, G>A. VCF-style: chr3-50218813-G-A. GRCh37 (hg19) VCF-style: chr3-50256245-G-A.
Other names: short protein forms A391T.
Identifiers: ClinVar variation 4885429 (VCV004885429.2).
Genomic context (GRCh38, chr3:50,218,813, plus strand): 5'-GAGGGGCTGATGGGGCCAACAGGCTGATGATTCTTCTCACCTGCCCCCCAGGTGCGCCGC[G>A]CCATCCAGCAGATGCTGTTTCCAAACCAGGAGTTCAGCTGGCTGCGGCATGTGCTTATTG-3'
Protein context (NP_006832.1, residues 381-401): VPIVLFPVRR[Ala391Thr]IQQMLFPNQE